The following is an entry in ClinVar:

NM_000041.4(APOE):c.148C>A (p.Arg50Ser)

Gene: APOE (apolipoprotein E; plus strand). Cytogenetic location: 19q13.32.
Variant type: single nucleotide variant.
Coding change: c.148C>A on transcript NM_000041.4 (MANE Select); coding-DNA position 148, C replaced by A.
Protein change: p.Arg50Ser; replaces arginine 50 with serine.
Molecular consequence: missense variant.
Genome position (GRCh38, 1-based): chr19:44,907,864, C>A. VCF-style: chr19-44907864-C-A. GRCh37 (hg19) VCF-style: chr19-45411121-C-A.
Other names: c.226C>A, p.Arg76Ser (NM_001302688.2); c.148C>A, p.Arg50Ser (NM_001302689.2, NM_001302690.2, NM_001302691.2); short protein forms R50S, R76S.
Identifiers: ClinVar variation 451406 (VCV000451406.2), dbSNP rs11542029, ClinGen allele CA406303398.

ClinVar aggregate classification (germline): Uncertain significance (1 of 4 stars; one submission).

Allele frequency attached by ClinVar (database versions not stated): gnomAD 0.00001; TOPMed 0.00002.
gnomAD v4.1: 3 of 1,613,896 alleles (0.00019%); highest among the groups gnomAD compares: African/African-American, 0.0013%; no homozygotes.

Submission:

GeneDx
Classification: Uncertain significance. Last evaluated: 2017-08-15. Review status: criteria provided, single submitter. Criteria: GeneDx Variant Classification (06012015). Collection method: clinical testing. Allele origin: germline. Affected: yes.
Comment: The R50S variant in the APOE gene has not been reported previously as a pathogenic variant, nor as a benign variant, to our knowledge. The R50S variant is not observed in large population cohorts (Lek et al., 2016; 1000 Genomes Consortium et al., 2015; Exome Variant Server). The R50S variant is a semi-conservative amino acid substitution, which may impact secondary protein structure as these residues differ in some properties. This substitution occurs at a position that is not conserved. In silico analysis predicts this variant is probably damaging to the protein structure/function. We interpret R50S as a variant of uncertain significance.